The following is an entry in ClinVar:

NM_000179.3(MSH6):c.2658C>G (p.Ile886Met)

Gene: MSH6 (mutS homolog 6; plus strand). Cytogenetic location: 2p16.3.
Variant type: single nucleotide variant.
Coding change: c.2658C>G on transcript NM_000179.3 (MANE Select); coding-DNA position 2658, C replaced by G.
Protein change: p.Ile886Met; replaces isoleucine 886 with methionine.
Molecular consequence: missense variant.
Genome position (GRCh38, 1-based): chr2:47,800,641, C>G. VCF-style: chr2-47800641-C-G. GRCh37 (hg19) VCF-style: chr2-48027780-C-G.
Other names: c.2268C>G, p.Ile756Met (NM_001281492.2); c.1752C>G, p.Ile584Met (NM_001281493.2, NM_001281494.2); short protein forms I886M, I756M, I584M.
Identifiers: ClinVar variation 630772 (VCV000630772.5), dbSNP rs786201051, ClinGen allele CA346755190.

ClinVar aggregate classification (germline): Uncertain significance (1 of 4 stars; one submission).

Conditions:
Hereditary cancer-predisposing syndrome. Also called: Tumor predisposition; Neoplastic Syndromes, Hereditary; Hereditary neoplastic syndrome; Hereditary Cancer Syndrome. Identifiers: Orphanet 140162, MedGen C0027672, MeSH D009386, MONDO:0015356.

Submission:

Color Diagnostics, LLC DBA Color Health
Classification: Uncertain significance for Hereditary cancer-predisposing syndrome. Last evaluated: 2023-12-05. Review status: criteria provided, single submitter. Criteria: ACMG Guidelines, 2015. Collection method: clinical testing. Allele origin: germline.
Comment: This missense variant replaces isoleucine with methionine at codon 886 of the MSH6 protein. Computational prediction suggests that this variant may not impact protein structure and function (internally defined REVEL score threshold <= 0.5, PMID: 27666373). To our knowledge, functional studies have not been reported for this variant. This variant has not been reported in individuals affected with MSH6-related disorders in the literature. This variant has not been identified in the general population by the Genome Aggregation Database (gnomAD). The available evidence is insufficient to determine the role of this variant in disease conclusively. Therefore, this variant is classified as a Variant of Uncertain Significance.